The following is an entry in ClinVar:

ClinVar aggregate classification (germline): Conflicting classifications of pathogenicity. Review status: criteria provided, conflicting classifications (1 of 4 stars). 6 submissions from 6 submitters: Uncertain significance (5); Likely benign (1). Last evaluated 2026-02-24.

Conditions:
TERT-related disorder. Also called: TERT-related condition; TERT-related disorders.
Dyskeratosis congenita. Identifiers: Orphanet 1775, MedGen C0265965, MONDO:0015780.
Dyskeratosis congenita, autosomal dominant 2. Identifiers: MedGen C3151443, MONDO:0013521, OMIM 613989.
Idiopathic Pulmonary Fibrosis. Also called: Idiopathic fibrosing alveolitis, chronic form; idiopathic fibrosing alveolitis. Identifiers: Orphanet 2032, MedGen C1800706, MeSH D054990, MONDO:0800504.

Allele frequency attached by ClinVar (database versions not stated): gnomAD 0.00003; TOPMed 0.00003.
gnomAD v4.1: 17 of 1,614,066 alleles (0.0011%); highest among the groups gnomAD compares: Admixed American, 0.0067%; no homozygotes.

Submissions (6):

Ambry Genetics
Classification: Uncertain significance for Dyskeratosis congenita. Last evaluated: 2026-02-24. Review status: criteria provided, single submitter. Criteria: Ambry Variant Classification Scheme 2023. Collection method: clinical testing. Allele origin: germline.
Comment: The p.V741L variant (also known as c.2221G>T), located in coding exon 6 of the TERT gene, results from a G to T substitution at nucleotide position 2221. The valine at codon 741 is replaced by leucine, an amino acid with highly similar properties. The variant was observed in an individual with myelodysplastic syndrome (MDS) and was observed to have intermediate telomere elongation capacity by a functional assay (Reilly CR et al. Blood, 2021 Sep;138:898-911). This amino acid position is not well conserved in available vertebrate species. In addition, this alteration is predicted to be tolerated by in silico analysis. Based on the available evidence, the clinical significance of this variant remains unclear.

Labcorp Genetics (formerly Invitae), Labcorp
Classification: Likely benign for Dyskeratosis congenita, autosomal dominant 2; Idiopathic Pulmonary Fibrosis. Last evaluated: 2025-12-02. Review status: criteria provided, single submitter. Criteria: Invitae Variant Classification Sherloc (09022015). Collection method: clinical testing. Allele origin: germline.

PreventionGenetics, part of Exact Sciences
Classification: Uncertain significance for TERT-related condition. Last evaluated: 2025-11-22. Review status: criteria provided, single submitter. Criteria: ACMG Guidelines, 2015. Collection method: clinical testing. Allele origin: germline.
Comment: The TERT c.2221G>T variant is predicted to result in the amino acid substitution p.Val741Leu. To our knowledge, this variant has not been reported in the literature. This variant is reported in 0.0056% of alleles in individuals of Latino descent in gnomAD. At this time, the clinical significance of this variant is uncertain due to the absence of conclusive functional and genetic evidence.

GeneDx
Classification: Uncertain significance. Last evaluated: 2023-12-28. Review status: criteria provided, single submitter. Criteria: GeneDx Variant Classification Process June 2021. Collection method: clinical testing. Allele origin: germline. Affected: yes.
Comment: In silico analysis supports that this missense variant does not alter protein structure/function; Has not been previously published as pathogenic or benign to our knowledge

Baylor Genetics
Classification: Uncertain significance for Dyskeratosis congenita, autosomal dominant 2. Last evaluated: 2023-11-26. Review status: criteria provided, single submitter. Criteria: ACMG Guidelines, 2015. Collection method: clinical testing. Allele origin: unknown.

Genetic Services Laboratory, University of Chicago
Classification: Uncertain significance. Last evaluated: 2019-12-09. Review status: criteria provided, single submitter. Criteria: ACMG Guidelines, 2015. Collection method: clinical testing. Allele origin: germline. Affected: no.

Literature cited by the submitters: PubMed 34019641 (cited by Ambry Genetics).

NM_198253.3(TERT):c.2221G>T (p.Val741Leu)

Gene: TERT (telomerase reverse transcriptase; minus strand). Cytogenetic location: 5p15.33.
Variant type: single nucleotide variant.
Coding change: c.2221G>T on transcript NM_198253.3 (MANE Select); coding-DNA position 2221, G replaced by T.
Protein change: p.Val741Leu; replaces valine 741 with leucine.
Molecular consequence: missense variant. On other transcripts: non-coding transcript variant (2).
Genome position (GRCh38, 1-based): chr5:1,278,706, C>A on the plus strand (G>T on the coding strand, the complement: TERT is on the minus strand). VCF-style: chr5-1278706-C-A. GRCh37 (hg19) VCF-style: chr5-1278821-C-A.
Other names: c.2221G>T, p.Val741Leu (NM_001193376.3); short protein forms V741L.
Identifiers: ClinVar variation 652891 (VCV000652891.17), dbSNP rs150819225, ClinGen allele CA3184623.